The following is an entry in ClinVar:

NM_020937.4(FANCM):c.1903C>A (p.Pro635Thr)

Gene: FANCM (FA complementation group M; plus strand). Cytogenetic location: 14q21.2.
Variant type: single nucleotide variant.
Coding change: c.1903C>A on transcript NM_020937.4 (MANE Select); coding-DNA position 1903, C replaced by A.
Protein change: p.Pro635Thr; replaces proline 635 with threonine.
Molecular consequence: missense variant.
Genome position (GRCh38, 1-based): chr14:45,167,064, C>A. VCF-style: chr14-45167064-C-A. GRCh37 (hg19) VCF-style: chr14-45636267-C-A.
Other names: c.1825C>A, p.Pro609Thr (NM_001308133.2); c.1903C>A, p.Pro635Thr (NM_001308134.2); short protein forms P609T, P635T.
Identifiers: ClinVar variation 4254689 (VCV004254689.1).

ClinVar aggregate classification (germline): Uncertain significance (1 of 4 stars; one submission).

Conditions:
Inborn genetic diseases. Identifiers: MedGen C0950123, MeSH D030342.

Submission:

Ambry Genetics
Classification: Uncertain significance for Inborn genetic diseases. Last evaluated: 2025-08-20. Review status: criteria provided, single submitter. Criteria: Ambry Variant Classification Scheme 2023. Collection method: clinical testing. Allele origin: germline.
Comment: The p.P635T variant (also known as c.1903C>A), located in coding exon 11 of the FANCM gene, results from a C to A substitution at nucleotide position 1903. The proline at codon 635 is replaced by threonine, an amino acid with highly similar properties. This amino acid position is conserved. In addition, this alteration is predicted to be deleterious by in silico analysis. Based on the available evidence, the clinical significance of this variant remains unclear.